The following is an entry in ClinVar:

ClinVar aggregate classification (germline): Uncertain significance (1 of 4 stars; one submission).

Allele frequency attached by ClinVar (database versions not stated): TOPMed 0.00001; gnomAD 0.00002; ESP Exome Variant Server 0.00008.
gnomAD v4.1: 3 of 1,611,388 alleles (0.00019%); highest among the groups gnomAD compares: African/African-American, 0.004%; no homozygotes.

Submission:

Labcorp Genetics (formerly Invitae), Labcorp
Classification: Uncertain significance. Last evaluated: 2022-07-12. Review status: criteria provided, single submitter. Criteria: Invitae Variant Classification Sherloc (09022015). Collection method: clinical testing. Allele origin: germline.
Comment: This sequence change replaces serine, which is neutral and polar, with cysteine, which is neutral and slightly polar, at codon 450 of the TYR protein (p.Ser450Cys). This variant is present in population databases (rs371687306, gnomAD 0.01%). This variant has not been reported in the literature in individuals affected with TYR-related conditions. ClinVar contains an entry for this variant (Variation ID: 1466442). Advanced modeling of protein sequence and biophysical properties (such as structural, functional, and spatial information, amino acid conservation, physicochemical variation, residue mobility, and thermodynamic stability) performed at Invitae indicates that this missense variant is expected to disrupt TYR protein function. In summary, the available evidence is currently insufficient to determine the role of this variant in disease. Therefore, it has been classified as a Variant of Uncertain Significance.

NM_000372.5(TYR):c.1348A>T (p.Ser450Cys)

Gene: TYR (tyrosinase; plus strand). Cytogenetic location: 11q14.3.
Variant type: single nucleotide variant.
Coding change: c.1348A>T on transcript NM_000372.5 (MANE Select); coding-DNA position 1348, A replaced by T.
Protein change: p.Ser450Cys; replaces serine 450 with cysteine.
Molecular consequence: missense variant.
Genome position (GRCh38, 1-based): chr11:89,284,936, A>T. VCF-style: chr11-89284936-A-T. GRCh37 (hg19) VCF-style: chr11-89018104-A-T.
Other names: short protein forms S450C.
Identifiers: ClinVar variation 1466442 (VCV001466442.5), dbSNP rs371687306, ClinGen allele CA226650353.